The following is an entry in ClinVar:

NM_000051.4(ATM):c.2419T>C (p.Leu807=)

Gene: ATM (ATM serine/threonine kinase; plus strand). Cytogenetic location: 11q22.3.
Variant type: single nucleotide variant.
Coding change: c.2419T>C on transcript NM_000051.4 (MANE Select); coding-DNA position 2419, T replaced by C.
Protein change: p.Leu807=; no amino-acid change (leucine 807 retained).
Molecular consequence: synonymous variant.
Genome position (GRCh38, 1-based): chr11:108,259,028, T>C. VCF-style: chr11-108259028-T-C. GRCh37 (hg19) VCF-style: chr11-108129755-T-C.
Other names: c.2419T>C, p.Leu807= (NM_001351834.2).
Identifiers: ClinVar variation 524469 (VCV000524469.9), dbSNP rs1555076667, ClinGen allele CA476672884.

ClinVar aggregate classification (germline): Benign/Likely benign. Review status: criteria provided, multiple submitters, no conflicts (2 of 4 stars). 3 submissions from 3 submitters: Benign (1); Likely benign (2). Last evaluated 2025-12-24.

Conditions:
Hereditary cancer-predisposing syndrome. Also called: Neoplastic Syndromes, Hereditary; Tumor predisposition; Hereditary Cancer Syndrome; Hereditary neoplastic syndrome. Identifiers: Orphanet 140162, MedGen C0027672, MeSH D009386, MONDO:0015356.
Familial cancer of breast. Also called: hereditary breast carcinoma; BREAST CANCER, FAMILIAL; Hereditary breast cancer. Identifiers: Orphanet 227535, MedGen C0346153, MONDO:0016419, OMIM 114480. Disease mechanism: loss of function.
Ataxia-telangiectasia syndrome (AT). Also called: ATAXIA-TELANGIECTASIA, COMPLEMENTATION GROUP A; ATAXIA-TELANGIECTASIA, FRESNO VARIANT; Ataxia-telangiectasia; Ataxia-telangiectasia, complementation group D; AT, COMPLEMENTATION GROUP C; Ataxia-telangiectasia, complementation group E. Identifiers: Orphanet 100, MedGen C0004135, MONDO:0008840, OMIM 208900.

Allele frequency attached by ClinVar (database versions not stated): gnomAD 0.00001.
gnomAD v4.1: 1 of 1,613,818 alleles (0.000062%); highest among the groups gnomAD compares: Non-Finnish European, 0.000085%; no homozygotes.

Submissions (3):

Labcorp Genetics (formerly Invitae), Labcorp
Classification: Likely benign for Ataxia-telangiectasia syndrome. Last evaluated: 2025-12-24. Review status: criteria provided, single submitter. Criteria: Invitae Variant Classification Sherloc (09022015). Collection method: clinical testing. Allele origin: germline.

Ambry Genetics
Classification: Likely benign for Hereditary cancer-predisposing syndrome. Last evaluated: 2025-07-12. Review status: criteria provided, single submitter. Criteria: Ambry Variant Classification Scheme 2023. Collection method: clinical testing. Allele origin: germline.

Myriad Genetics, Inc.
Classification: Benign for Familial cancer of breast. Last evaluated: 2024-05-08. Review status: criteria provided, single submitter. Criteria: Myriad Autosomal Dominant, Autosomal Recessive and X-Linked Classification Criteria (2023). Collection method: clinical testing. Allele origin: unknown.
Comment: This variant is considered benign. This variant is a silent/synonymous amino acid change and it is not expected to impact splicing.